The following is an entry in ClinVar:

NM_002474.3(MYH11):c.2191C>G (p.Leu731Val)

Gene: MYH11 (myosin heavy chain 11; minus strand). Cytogenetic location: 16p13.11.
Variant type: single nucleotide variant.
Coding change: c.2191C>G on transcript NM_002474.3 (MANE Select); coding-DNA position 2191, C replaced by G.
Protein change: p.Leu731Val; replaces leucine 731 with valine.
Molecular consequence: missense variant.
Genome position (GRCh38, 1-based): chr16:15,747,933, G>C on the plus strand (C>G on the coding strand, the complement: MYH11 is on the minus strand). VCF-style: chr16-15747933-G-C. GRCh37 (hg19) VCF-style: chr16-15841790-G-C.
Other names: c.2191C>G (NM_002474.2); c.2212C>G, p.Leu738Val (NM_001040113.2, NM_001040114.2); c.2191C>G, p.Leu731Val (NM_022844.3); short protein forms L738V, L731V.
Identifiers: ClinVar variation 1495476 (VCV001495476.9), dbSNP rs2151260511, ClinGen allele CA394867841.

ClinVar aggregate classification (germline): Uncertain significance. Review status: criteria provided, multiple submitters, no conflicts (2 of 4 stars). 4 submissions from 4 submitters: Uncertain significance (4). Last evaluated 2025-09-05.

Conditions:
Familial thoracic aortic aneurysm and aortic dissection (TAAD). Also called: Thoracic aortic aneurysms and dissections. Identifiers: Orphanet 91387, MedGen C4707243, MONDO:0019625.
Aortic aneurysm, familial thoracic 4 (AAT4). Also called: AORTIC ANEURYSM/AORTIC DISSECTION AND PATENT DUCTUS ARTERIOSUS. Identifiers: MedGen C1851504, MONDO:0007568, OMIM 132900.

Submissions (4):

Ambry Genetics
Classification: Uncertain significance for Familial thoracic aortic aneurysm and aortic dissection. Last evaluated: 2025-09-05. Review status: criteria provided, single submitter. Criteria: Ambry Variant Classification Scheme 2023. Collection method: clinical testing. Allele origin: germline.

Labcorp Genetics (formerly Invitae), Labcorp
Classification: Uncertain significance for Aortic aneurysm, familial thoracic 4. Last evaluated: 2025-05-04. Review status: criteria provided, single submitter. Criteria: Invitae Variant Classification Sherloc (09022015). Collection method: clinical testing. Allele origin: germline.
Comment: This sequence change replaces leucine, which is neutral and non-polar, with valine, which is neutral and non-polar, at codon 738 of the MYH11 protein (p.Leu738Val). This variant is not present in population databases (gnomAD no frequency). This variant has not been reported in the literature in individuals affected with MYH11-related conditions. ClinVar contains an entry for this variant (Variation ID: 1495476). Invitae Evidence Modeling of protein sequence and biophysical properties (such as structural, functional, and spatial information, amino acid conservation, physicochemical variation, residue mobility, and thermodynamic stability) indicates that this missense variant is not expected to disrupt MYH11 protein function with a negative predictive value of 80%. In summary, the available evidence is currently insufficient to determine the role of this variant in disease. Therefore, it has been classified as a Variant of Uncertain Significance.

GeneDx
Classification: Uncertain significance. Last evaluated: 2025-01-03. Review status: criteria provided, single submitter. Criteria: GeneDx Variant Classification Process June 2021. Collection method: clinical testing. Allele origin: germline. Affected: yes.
Comment: Not observed at significant frequency in large population cohorts (gnomAD); In silico analysis supports that this missense variant has a deleterious effect on protein structure/function; Has not been previously published as pathogenic or benign to our knowledge

All of Us Research Program, National Institutes of Health
Classification: Uncertain significance for Familial thoracic aortic aneurysm and aortic dissection. Last evaluated: 2023-06-08. Review status: criteria provided, single submitter. Criteria: ACMG Guidelines, 2015. Collection method: clinical testing. Allele origin: germline. Inheritance: Autosomal dominant inheritance. Observed: 2 variant alleles, 2 heterozygotes.
Comment: This missense variant replaces leucine with valine at codon 738 of the MYH11 protein. Computational prediction suggests that this variant may have deleterious impact on protein structure and function (internally defined REVEL score threshold >= 0.7, PMID: 27666373). To our knowledge, functional studies have not been reported for this variant. This variant has not been reported in individuals affected with cardiovascular disorders in the literature. This variant has not been identified in the general population by the Genome Aggregation Database (gnomAD). The available evidence is insufficient to determine the role of this variant in disease conclusively. Therefore, this variant is classified as a Variant of Uncertain Significance.

This study involves interpretation of variants in research participants for the purpose of population health screening. Participant phenotype was not available at the time of variant classification. Additional details can be found in publication PMID: 35346344, PMCID: PMC8962531